The following is an entry in ClinVar:

ClinVar aggregate classification (germline): Uncertain significance. Review status: criteria provided, multiple submitters, no conflicts (2 of 4 stars). 2 submissions from 2 submitters: Uncertain significance (2). Last evaluated 2022-12-28.

Conditions:
Inborn genetic diseases. Identifiers: MedGen C0950123, MeSH D030342.
ALG12-congenital disorder of glycosylation (CDG1G). Also called: CDG Ig; Congenital disorder of glycosylation, type Ig; ALG12-CDG. Identifiers: Orphanet 79324, MedGen C2931001, MONDO:0011783, OMIM 607143.

Allele frequency attached by ClinVar (database versions not stated): ExAC 0.00002; gnomAD 0.00004 and 0.00005; TOPMed 0.00004; 1000 Genomes Project 30x 0.00016; 1000 Genomes Project 0.00020.
gnomAD v4.1: 11 of 1,614,210 alleles (0.00068%); highest among the groups gnomAD compares: African/African-American, 0.012%; no homozygotes.

Submissions (2):

Ambry Genetics
Classification: Uncertain significance for Inborn genetic diseases. Last evaluated: 2022-12-28. Review status: criteria provided, single submitter. Criteria: Ambry Variant Classification Scheme 2023. Collection method: clinical testing. Allele origin: germline.

Labcorp Genetics (formerly Invitae), Labcorp
Classification: Uncertain significance for ALG12-congenital disorder of glycosylation. Last evaluated: 2022-06-11. Review status: criteria provided, single submitter. Criteria: Invitae Variant Classification Sherloc (09022015). Collection method: clinical testing. Allele origin: germline.
Comment: This sequence change replaces arginine, which is basic and polar, with glutamine, which is neutral and polar, at codon 404 of the ALG12 protein (p.Arg404Gln). This variant is present in population databases (rs553349150, gnomAD 0.008%). This variant has not been reported in the literature in individuals affected with ALG12-related conditions. Algorithms developed to predict the effect of missense changes on protein structure and function are either unavailable or do not agree on the potential impact of this missense change (SIFT: "Tolerated"; PolyPhen-2: "Probably Damaging"; Align-GVGD: "Class C0"). In summary, the available evidence is currently insufficient to determine the role of this variant in disease. Therefore, it has been classified as a Variant of Uncertain Significance.

NM_024105.4(ALG12):c.1211G>A (p.Arg404Gln)

Gene: ALG12 (ALG12 alpha-1,6-mannosyltransferase; minus strand). Cytogenetic location: 22q13.33.
Variant type: single nucleotide variant.
Coding change: c.1211G>A on transcript NM_024105.4 (MANE Select); coding-DNA position 1211, G replaced by A.
Protein change: p.Arg404Gln; replaces arginine 404 with glutamine.
Molecular consequence: missense variant.
Genome position (GRCh38, 1-based): chr22:49,904,206, C>T on the plus strand (G>A on the coding strand, the complement: ALG12 is on the minus strand). VCF-style: chr22-49904206-C-T. GRCh37 (hg19) VCF-style: chr22-50297854-C-T.
Other names: c.1211G>A (NM_024105.3); short protein forms R404Q.
Identifiers: ClinVar variation 1469204 (VCV001469204.6), dbSNP rs553349150, ClinGen allele CA10300296.